The following is an entry in ClinVar:

NM_015512.5(DNAH1):c.6181G>A (p.Ala2061Thr)

Gene: DNAH1 (dynein axonemal heavy chain 1; plus strand). Cytogenetic location: 3p21.1.
Variant type: single nucleotide variant.
Coding change: c.6181G>A on transcript NM_015512.5 (MANE Select); coding-DNA position 6181, G replaced by A.
Protein change: p.Ala2061Thr; replaces alanine 2061 with threonine.
Molecular consequence: missense variant.
Genome position (GRCh38, 1-based): chr3:52,370,152, G>A. VCF-style: chr3-52370152-G-A. GRCh37 (hg19) VCF-style: chr3-52404168-G-A.
Other names: short protein forms A2061T.
Identifiers: ClinVar variation 3747953 (VCV003747953.2).

ClinVar aggregate classification (germline): Uncertain significance (1 of 4 stars; one submission).

Conditions:
Spermatogenic failure 18. Identifiers: MedGen C4539783, MONDO:0054615, OMIM 617576.
Ciliary dyskinesia, primary, 37 (CILD37). Also called: CILIARY DYSKINESIA, PRIMARY, 37, WITH OR WITHOUT SITUS INVERSUS. Identifiers: MedGen C4539798, MONDO:0033204, OMIM 617577.

gnomAD v4.1: 5 of 1,613,974 alleles (0.00031%); highest among the groups gnomAD compares: South Asian, 0.0011%; no homozygotes.

Submission:

Labcorp Genetics (formerly Invitae), Labcorp
Classification: Uncertain significance for Ciliary dyskinesia, primary, 37; Spermatogenic failure 18. Last evaluated: 2024-04-10. Review status: criteria provided, single submitter. Criteria: Invitae Variant Classification Sherloc (09022015). Collection method: clinical testing. Allele origin: germline.
Comment: This sequence change replaces alanine, which is neutral and non-polar, with threonine, which is neutral and polar, at codon 2061 of the DNAH1 protein (p.Ala2061Thr). This variant is present in population databases (rs775541195, gnomAD 0.006%). This variant has not been reported in the literature in individuals affected with DNAH1-related conditions. Advanced modeling of protein sequence and biophysical properties (such as structural, functional, and spatial information, amino acid conservation, physicochemical variation, residue mobility, and thermodynamic stability) performed at Invitae indicates that this missense variant is not expected to disrupt DNAH1 protein function with a negative predictive value of 80%. In summary, the available evidence is currently insufficient to determine the role of this variant in disease. Therefore, it has been classified as a Variant of Uncertain Significance.